The following is an entry in ClinVar:

NM_007294.4(BRCA1):c.3066del (p.Thr1022_Val1023insTer)

Gene: BRCA1 (BRCA1 DNA repair associated; minus strand). Cytogenetic location: 17q21.31.
Variant type: Deletion.
Coding change: c.3066del on transcript NM_007294.4 (MANE Select); coding-DNA position 3066, one base deleted (A; older notation c.3066delA).
Protein change: p.Thr1022_Val1023insTer.
Molecular consequence: frameshift variant. On other transcripts: intron variant (137).
Genome position (GRCh38, 1-based): chr17:43,092,465, T deleted on the plus strand (A on the coding strand, the reverse complement: BRCA1 is on the minus strand). VCF-style (leftmost placement, unchanged base first): chr17-43092464-CT-C. GRCh37 (hg19) VCF-style: chr17-41244481-CT-C.
Other names: c.2922del, p.Thr974_Val975insTer (NM_001407747.1, NM_001407748.1, NM_001407749.1 and 20 more transcripts); c.2925del, p.Thr975_Val976insTer (NM_001407750.1, NM_001407751.1, NM_001407752.1 and 29 more transcripts); c.2853del, p.Thr951_Val952insTer (NM_001407853.1, NM_001407894.1, NM_001407895.1 and 9 more transcripts); c.3066del, p.Thr1022_Val1023insTer (NM_001407854.1, NM_001407858.1, NM_001407859.1 and 30 more transcripts); c.3063del, p.Thr1021_Val1022insTer (NM_001407860.1, NM_001407861.1, NM_001407587.1 and 22 more transcripts); c.2865del, p.Thr955_Val956insTer (NM_001407862.1); c.2943del, p.Thr981_Val982insTer (NM_001407863.1, NM_001407919.1, NM_001407937.1 and 19 more transcripts); c.2862del, p.Thr954_Val955insTer (NM_001407874.1, NM_001407875.1); and 41 more.
Identifiers: ClinVar variation 186381 (VCV000186381.21), dbSNP rs786202906, ClinGen allele CA002013.

ClinVar aggregate classification (germline): Pathogenic/Likely pathogenic. Review status: criteria provided, multiple submitters, no conflicts (2 of 4 stars). 6 submissions from 6 submitters: Pathogenic (5); Likely pathogenic (1). Last evaluated 2024-11-22.

Conditions:
Hereditary cancer-predisposing syndrome. Also called: Hereditary Cancer Syndrome; Hereditary neoplastic syndrome; Tumor predisposition; Neoplastic Syndromes, Hereditary. Identifiers: Orphanet 140162, MedGen C0027672, MeSH D009386, MONDO:0015356.
Hereditary breast ovarian cancer syndrome. Also called: Hereditary breast and ovarian cancer syndrome; Hereditary breast and ovarian cancer syndrome (HBOC); BRCA1- and BRCA2-Associated Hereditary Breast and Ovarian Cancer; Breast and ovarian cancer; Hereditary breast and ovarian cancer; Hereditary breast and/or ovarian cancer syndrome. Identifiers: Orphanet 145, MedGen C0677776, MeSH D061325, MONDO:0003582. Disease mechanism: loss of function.
Breast-ovarian cancer, familial, susceptibility to, 1 (BROVCA1). Also called: OVARIAN CANCER, SUSCEPTIBILITY TO; BRCA1 Hereditary Breast and Ovarian Cancer. Identifiers: Orphanet 145, MedGen C2676676, MONDO:0011450, OMIM 604370. Disease mechanism: loss of function.

Allele frequency attached by ClinVar (database versions not stated): gnomAD exomes below 0.00001.

Submissions (6):

Labcorp Genetics (formerly Invitae), Labcorp
Classification: Pathogenic for Hereditary breast ovarian cancer syndrome. Last evaluated: 2024-11-22. Review status: criteria provided, single submitter. Criteria: Invitae Variant Classification Sherloc (09022015). Collection method: clinical testing. Allele origin: germline.
Comment: This sequence change creates a premature translational stop signal (p.Val1023*) in the BRCA1 gene. It is expected to result in an absent or disrupted protein product. Loss-of-function variants in BRCA1 are known to be pathogenic (PMID: 20104584). This variant is not present in population databases (gnomAD no frequency). This variant has not been reported in the literature in individuals affected with BRCA1-related conditions. ClinVar contains an entry for this variant (Variation ID: 186381). For these reasons, this variant has been classified as Pathogenic.

Revvity Omics, Revvity
Classification: Likely pathogenic. Last evaluated: 2022-12-12. Review status: criteria provided, single submitter. Criteria: ACMG Guidelines, 2015. Collection method: clinical testing. Allele origin: germline.

Ambry Genetics
Classification: Pathogenic for Hereditary cancer-predisposing syndrome. Last evaluated: 2021-11-23. Review status: criteria provided, single submitter. Criteria: Ambry Variant Classification Scheme 2023. Collection method: clinical testing. Allele origin: germline.
Comment: The c.3066delA pathogenic mutation, located in coding exon 9 of the BRCA1 gene, results from a deletion of one nucleotide at nucleotide position 3066, causing a translational frameshift with a predicted alternate stop codon (p.V1023*). This variant was reported in 1/60,466 breast cancer cases and in 0/53,461 controls (Dorling et al. N Engl J Med. 2021 02;384:428-439). This alteration was also identified in a large, worldwide study of BRCA1/2 mutation positive families (Rebbeck TR et al. Hum Mutat, 2018 05;39:593-620). In addition to the clinical data presented in the literature, this alteration is expected to result in loss of function by premature protein truncation or nonsense-mediated mRNA decay. As such, this alteration is interpreted as a disease-causing mutation.

GeneDx
Classification: Pathogenic. Last evaluated: 2017-07-13. Review status: criteria provided, single submitter. Criteria: GeneDx Variant Classification (06012015). Collection method: clinical testing. Allele origin: germline. Affected: yes.
Comment: This variant is denoted BRCA1 c.3066delA at the cDNA level and p.Val1023Ter (V1023X) at the protein level. Using alternate nomenclature, this variant would be defined as BRCA1 c.3185delA. The substitution creates a nonsense variant, which changes a Valine to a premature stop codon (GTG>TGA), and is predicted to cause loss of normal protein function through either protein truncation or nonsense-mediated mRNA decay. Although this variant has not, to our knowledge, been reported in the literature, it is considered pathogenic.

Quest Diagnostics Nichols Institute San Juan Capistrano
Classification: Pathogenic. Last evaluated: 2017-05-24. Review status: criteria provided, single submitter. Criteria: Quest Diagnostics criteria. Collection method: clinical testing. Allele origin: germline.

Consortium of Investigators of Modifiers of BRCA1/2 (CIMBA), c/o University of Cambridge
Classification: Pathogenic for Breast-ovarian cancer, familial, susceptibility to, 1. Last evaluated: 2015-10-02. Review status: criteria provided, single submitter. Criteria: CIMBA Mutation Classification guidelines May 2016. Collection method: clinical testing. Allele origin: germline.

Literature cited by the submitters: PubMed 20104584 (cited by Labcorp Genetics (formerly Invitae), Labcorp); PubMed 29446198 (cited by Ambry Genetics); PubMed 33471991 (cited by Ambry Genetics); PubMed 14732925 (cited by Quest Diagnostics Nichols Institute San Juan Capistrano).